The following is an entry in ClinVar:

NM_153332.4(ERI1):c.435T>G (p.Pro145=)

Gene: ERI1 (exoribonuclease 1). Cytogenetic location: 8p23.1.
Variant type: single nucleotide variant.
Coding change: c.435T>G on transcript NM_153332.4 (MANE Select); coding-DNA position 435, T replaced by G.
Protein change: p.Pro145=; no amino-acid change (proline 145 retained).
Molecular consequence: synonymous variant.
Genome position (GRCh38, 1-based): chr8:9,011,689, T>G. VCF-style: chr8-9011689-T-G. GRCh37 (hg19) VCF-style: chr8-8869199-T-G.
Other names: c.201T>G, p.Pro67= (NM_001354635.2); c.90T>G, p.Pro30= (NM_001354636.2); c.435T>G, p.Pro145= (NM_001354638.2).
Identifiers: ClinVar variation 3059941 (VCV003059941.2), dbSNP rs9650616, ClinGen allele CA4619805.

ClinVar aggregate classification (germline): Benign (0 of 4 stars; one submission).

Conditions:
ERI1-related disorder. Also called: ERI1-related condition.

Allele frequency attached by ClinVar (database versions not stated): 1000 Genomes Project 0.30092; 1000 Genomes Project 30x 0.31309; TOPMed 0.40114; ESP Exome Variant Server 0.44564.
gnomAD v4.1: 675,715 of 1,610,628 alleles (42%); highest among the groups gnomAD compares: Non-Finnish European, 46%; 149,997 homozygotes.

Submission:

PreventionGenetics, part of Exact Sciences
Classification: Benign for ERI1-related condition. Last evaluated: 2019-10-21. Review status: no assertion criteria provided. Collection method: clinical testing. Allele origin: germline.
Comment: This variant is classified as benign based on ACMG/AMP sequence variant interpretation guidelines (Richards et al. 2015 PMID: 25741868, with internal and published modifications).